The following is an entry in ClinVar:

NM_012120.3(CD2AP):c.729G>T (p.Lys243Asn)

Gene: CD2AP (CD2 associated protein; plus strand). Cytogenetic location: 6p12.3.
Variant type: single nucleotide variant.
Coding change: c.729G>T on transcript NM_012120.3 (MANE Select); coding-DNA position 729, G replaced by T.
Protein change: p.Lys243Asn; replaces lysine 243 with asparagine.
Molecular consequence: missense variant.
Genome position (GRCh38, 1-based): chr6:47,574,251, G>T. VCF-style: chr6-47574251-G-T. GRCh37 (hg19) VCF-style: chr6-47541987-G-T.
Other names: short protein forms K243N.
Identifiers: ClinVar variation 3998171 (VCV003998171.1).
Genomic context (GRCh38, chr6:47,574,251, plus strand): 5'-CTCTGTGAAACTTCGGACAAGAACATCCAGTAGTGAAACAGAAGAGAAAAAACCAGAAAA[G>T]GTGGTAATGATGGACTTGTTAGATTAACTCCACTCATTCTCTCATTAAGCATTTTTTAAA-3'
Protein context (NP_036252.1, residues 233-253): SSETEEKKPE[Lys243Asn]PLILQSLGPK

ClinVar aggregate classification (germline): Uncertain significance (1 of 4 stars; one submission).

Conditions:
Inborn genetic diseases. Identifiers: MedGen C0950123, MeSH D030342.

gnomAD v4.1: 2 of 1,613,258 alleles (0.00012%); highest among the groups gnomAD compares: East Asian, 0.0022%; no homozygotes.

Submission:

Ambry Genetics
Classification: Uncertain significance for Inborn genetic diseases. Last evaluated: 2025-06-13. Review status: criteria provided, single submitter. Criteria: Ambry Variant Classification Scheme 2023. Collection method: clinical testing. Allele origin: germline.
Comment: Occurs in the last base pair of the exon Based on insufficient or conflicting evidence, the clinical significance of this alteration remains unclear.